The following is an entry in ClinVar:

NM_007078.3(LDB3):c.2147C>A (p.Pro716His)

Gene: LDB3 (LIM domain binding 3; plus strand). Cytogenetic location: 10q23.2.
Variant type: single nucleotide variant.
Coding change: c.2147C>A on transcript NM_007078.3 (MANE Select); coding-DNA position 2147, C replaced by A.
Protein change: p.Pro716His; replaces proline 716 with histidine.
Molecular consequence: missense variant.
Genome position (GRCh38, 1-based): chr10:86,732,939, C>A. VCF-style: chr10-86732939-C-A. GRCh37 (hg19) VCF-style: chr10-88492696-C-A.
Other names: c.1817C>A, p.Pro606His (NM_001080114.2); c.2162C>A, p.Pro721His (NM_001171610.2); c.1958C>A, p.Pro653His (NM_001368064.1, NM_001368065.1); c.2006C>A, p.Pro669His (NM_001368066.1); short protein forms P721H, P653H, P669H, P606H, P716H.
Identifiers: ClinVar variation 2070854 (VCV002070854.4), dbSNP rs2492882166, ClinGen allele CA377460392.

ClinVar aggregate classification (germline): Uncertain significance (1 of 4 stars; one submission).

Conditions:
Myofibrillar myopathy 4. Also called: Zaspopathy (type). Identifiers: Orphanet 98912, MedGen C4721886, MONDO:0012277, OMIM 609452.

Submission:

Labcorp Genetics (formerly Invitae), Labcorp
Classification: Uncertain significance for Myofibrillar myopathy 4. Last evaluated: 2022-06-04. Review status: criteria provided, single submitter. Criteria: Invitae Variant Classification Sherloc (09022015). Collection method: clinical testing. Allele origin: germline.
Comment: The LDB3 gene has multiple clinically relevant transcripts. This variant occurs in alternate transcript NM_007078.3, and corresponds to NM_001080116.1:c.*33565C>A in the primary transcript. This sequence change replaces proline, which is neutral and non-polar, with histidine, which is basic and polar, at codon 716 of the LDB3 protein (p.Pro716His). This variant is not present in population databases (gnomAD no frequency). This variant has not been reported in the literature in individuals affected with LDB3-related conditions. Experimental studies and prediction algorithms are not available or were not evaluated, and the functional significance of this variant is currently unknown. In summary, the available evidence is currently insufficient to determine the role of this variant in disease. Therefore, it has been classified as a Variant of Uncertain Significance.